The following is an entry in ClinVar:

NM_006231.4(POLE):c.5696C>A (p.Thr1899Asn)

Gene: POLE (DNA polymerase epsilon, catalytic subunit; minus strand). Cytogenetic location: 12q24.33.
Variant type: single nucleotide variant.
Coding change: c.5696C>A on transcript NM_006231.4 (MANE Select); coding-DNA position 5696, C replaced by A.
Protein change: p.Thr1899Asn; replaces threonine 1899 with asparagine.
Molecular consequence: missense variant.
Genome position (GRCh38, 1-based): chr12:132,636,007, G>T on the plus strand (C>A on the coding strand, the complement: POLE is on the minus strand). VCF-style: chr12-132636007-G-T. GRCh37 (hg19) VCF-style: chr12-133212593-G-T.
Other names: c.5696C>A (NM_006231.2); short protein forms T1899N.
Identifiers: ClinVar variation 938641 (VCV000938641.10), dbSNP rs757685059, ClinGen allele CA6892416.

ClinVar aggregate classification (germline): Uncertain significance. Review status: criteria provided, multiple submitters, no conflicts (2 of 4 stars). 2 submissions from 2 submitters: Uncertain significance (2). Last evaluated 2024-08-13.

Conditions:
Hereditary cancer-predisposing syndrome. Also called: Tumor predisposition; Hereditary neoplastic syndrome; Hereditary Cancer Syndrome; Neoplastic Syndromes, Hereditary. Identifiers: Orphanet 140162, MedGen C0027672, MeSH D009386, MONDO:0015356.

Allele frequency attached by ClinVar (database versions not stated): gnomAD exomes below 0.00001; ExAC 0.00001.
gnomAD v4.1: 2 of 1,613,794 alleles (0.00012%); highest among the groups gnomAD compares: Non-Finnish European, 0.00017%; no homozygotes.

Submissions (2):

Labcorp Genetics (formerly Invitae), Labcorp
Classification: Uncertain significance. Last evaluated: 2024-08-13. Review status: criteria provided, single submitter. Criteria: Invitae Variant Classification Sherloc (09022015). Collection method: clinical testing. Allele origin: germline.
Comment: This sequence change replaces threonine, which is neutral and polar, with asparagine, which is neutral and polar, at codon 1899 of the POLE protein (p.Thr1899Asn). This variant is present in population databases (rs757685059, gnomAD 0.0009%). This variant has not been reported in the literature in individuals affected with POLE-related conditions. ClinVar contains an entry for this variant (Variation ID: 938641). Advanced modeling of protein sequence and biophysical properties (such as structural, functional, and spatial information, amino acid conservation, physicochemical variation, residue mobility, and thermodynamic stability) performed at Invitae indicates that this missense variant is not expected to disrupt POLE protein function with a negative predictive value of 80%. In summary, the available evidence is currently insufficient to determine the role of this variant in disease. Therefore, it has been classified as a Variant of Uncertain Significance.

Ambry Genetics
Classification: Uncertain significance for Hereditary cancer-predisposing syndrome. Last evaluated: 2024-02-28. Review status: criteria provided, single submitter. Criteria: Ambry Variant Classification Scheme 2023. Collection method: clinical testing. Allele origin: germline.
Comment: The p.T1899N variant (also known as c.5696C>A), located in coding exon 42 of the POLE gene, results from a C to A substitution at nucleotide position 5696. The threonine at codon 1899 is replaced by asparagine, an amino acid with similar properties. This amino acid position is conserved. In addition, this alteration is predicted to be tolerated by in silico analysis. Based on the available evidence, the clinical significance of this alteration remains unclear.